The following is an entry in ClinVar:

NM_012123.4(MTO1):c.203G>A (p.Arg68His)

Gene: MTO1 (mitochondrial tRNA translation optimization 1; plus strand). Cytogenetic location: 6q13.
Variant type: single nucleotide variant.
Coding change: c.203G>A on transcript NM_012123.4 (MANE Select); coding-DNA position 203, G replaced by A.
Protein change: p.Arg68His; replaces arginine 68 with histidine.
Molecular consequence: missense variant.
Genome position (GRCh38, 1-based): chr6:73,462,057, G>A. VCF-style: chr6-73462057-G-A. GRCh37 (hg19) VCF-style: chr6-74171780-G-A.
Other names: c.203G>A, p.Arg68His (NM_001123226.2, NM_133645.3); c.203G>A (NM_001123226.1); short protein forms R68H.
Identifiers: ClinVar variation 863267 (VCV000863267.8), dbSNP rs1251952926, ClinGen allele CA364712099.

ClinVar aggregate classification (germline): Uncertain significance. Review status: criteria provided, multiple submitters, no conflicts (2 of 4 stars). 2 submissions from 2 submitters: Uncertain significance (2). Last evaluated 2024-10-21.

Conditions:
Inborn genetic diseases. Identifiers: MedGen C0950123, MeSH D030342.
Mitochondrial hypertrophic cardiomyopathy with lactic acidosis due to MTO1 deficiency. Also called: CARDIOMYOPATHY, INFANTILE HYPERTROPHIC MITOCHONDRIAL, AND LACTIC ACIDOSIS; Combined oxidative phosphorylation deficiency 10. Identifiers: Orphanet 314637, MedGen C4749921, MONDO:0013865, OMIM 614702.

Allele frequency attached by ClinVar (database versions not stated): gnomAD exomes below 0.00001; TOPMed below 0.00001.
gnomAD v4.1: 9 of 1,613,650 alleles (0.00056%); highest among the groups gnomAD compares: Admixed American, 0.0017%; no homozygotes.

Submissions (2):

Ambry Genetics
Classification: Uncertain significance for Inborn genetic diseases. Last evaluated: 2024-10-21. Review status: criteria provided, single submitter. Criteria: Ambry Variant Classification Scheme 2023. Collection method: clinical testing. Allele origin: germline.

Labcorp Genetics (formerly Invitae), Labcorp
Classification: Uncertain significance for Mitochondrial hypertrophic cardiomyopathy with lactic acidosis due to MTO1 deficiency. Last evaluated: 2024-01-08. Review status: criteria provided, single submitter. Criteria: Invitae Variant Classification Sherloc (09022015). Collection method: clinical testing. Allele origin: germline.
Comment: This sequence change replaces arginine, which is basic and polar, with histidine, which is basic and polar, at codon 68 of the MTO1 protein (p.Arg68His). This variant is present in population databases (no rsID available, gnomAD 0.003%). This variant has not been reported in the literature in individuals affected with MTO1-related conditions. ClinVar contains an entry for this variant (Variation ID: 863267). Advanced modeling of protein sequence and biophysical properties (such as structural, functional, and spatial information, amino acid conservation, physicochemical variation, residue mobility, and thermodynamic stability) performed at Invitae indicates that this missense variant is not expected to disrupt MTO1 protein function with a negative predictive value of 95%. In summary, the available evidence is currently insufficient to determine the role of this variant in disease. Therefore, it has been classified as a Variant of Uncertain Significance.